The following is an entry in ClinVar:

ClinVar aggregate classification (germline): Conflicting classifications of pathogenicity. Review status: criteria provided, conflicting classifications (1 of 4 stars). 3 submissions from 3 submitters: Uncertain significance (2); Likely benign (1). Last evaluated 2023-03-09.

Conditions:
Nephronophthisis. Also called: Juvenile Nephronophthisis. Identifiers: Orphanet 655, MedGen C0687120, MONDO:0019005, HP:0000090.
Infantile nephronophthisis (NPHP2). Also called: Nephronophthisis 2; Nephronophthisis 2, infantile. Identifiers: Orphanet 655, Orphanet 93591, MedGen C1865872, MONDO:0011190, OMIM 602088.

Allele frequency attached by ClinVar (database versions not stated): TOPMed below 0.00001; ExAC 0.00001; gnomAD exomes 0.00001 and 0.00003.
gnomAD v4.1: 21 of 1,610,838 alleles (0.0013%); highest among the groups gnomAD compares: East Asian, 0.013%; 1 homozygote.

Submissions (3):

Blueprint Genetics
Classification: Likely benign. Last evaluated: 2023-03-09. Review status: criteria provided, single submitter. Criteria: ACMG Guidelines, 2015. Collection method: clinical testing. Allele origin: germline.

Labcorp Genetics (formerly Invitae), Labcorp
Classification: Uncertain significance for Nephronophthisis. Last evaluated: 2022-09-27. Review status: criteria provided, single submitter. Criteria: Invitae Variant Classification Sherloc (09022015). Collection method: clinical testing. Allele origin: germline.
Comment: This sequence change falls in intron 6 of the INVS gene. It does not directly change the encoded amino acid sequence of the INVS protein. It affects a nucleotide within the consensus splice site. This variant is present in population databases (rs371310920, gnomAD 0.03%). This variant has not been reported in the literature in individuals affected with INVS-related conditions. ClinVar contains an entry for this variant (Variation ID: 364223). Variants that disrupt the consensus splice site are a relatively common cause of aberrant splicing (PMID: 17576681, 9536098). Algorithms developed to predict the effect of sequence changes on RNA splicing suggest that this variant is not likely to affect RNA splicing. In summary, the available evidence is currently insufficient to determine the role of this variant in disease. Therefore, it has been classified as a Variant of Uncertain Significance.

Illumina Laboratory Services, Illumina
Classification: Uncertain significance for Infantile nephronophthisis. Last evaluated: 2018-01-13. Review status: criteria provided, single submitter. Criteria: ICSL Variant Classification Criteria 13 December 2019. Collection method: clinical testing. Allele origin: germline.

Literature cited by the submitters: PubMed 17576681 (cited by Labcorp Genetics (formerly Invitae), Labcorp); PubMed 9536098 (cited by Labcorp Genetics (formerly Invitae), Labcorp).

NM_014425.5(INVS):c.796+4C>T

Gene: INVS (inversin; plus strand). Cytogenetic location: 9q31.1.
Variant type: single nucleotide variant.
Coding change: c.796+4C>T on transcript NM_014425.5 (MANE Select); 4 bases into the intron after coding-DNA position 796, C replaced by T.
Molecular consequence: intron variant.
Genome position (GRCh38, 1-based): chr9:100,240,244, C>T. VCF-style: chr9-100240244-C-T. GRCh37 (hg19) VCF-style: chr9-103002526-C-T.
Other names: c.508+4C>T (NM_001318381.2); c.-194+4C>T (NM_001318382.2).
Identifiers: ClinVar variation 364223 (VCV000364223.9), dbSNP rs371310920, ClinGen allele CA5158239.